The following is an entry in ClinVar:

NM_006904.7(PRKDC):c.2867C>T (p.Pro956Leu)

Gene: PRKDC (protein kinase, DNA-activated, catalytic subunit; minus strand). Cytogenetic location: 8q11.21.
Variant type: single nucleotide variant.
Coding change: c.2867C>T on transcript NM_006904.7 (MANE Select); coding-DNA position 2867, C replaced by T.
Protein change: p.Pro956Leu; replaces proline 956 with leucine.
Molecular consequence: missense variant.
Genome position (GRCh38, 1-based): chr8:47,912,477, G>A on the plus strand (C>T on the coding strand, the complement: PRKDC is on the minus strand). VCF-style: chr8-47912477-G-A. GRCh37 (hg19) VCF-style: chr8-48825037-G-A.
Other names: c.2867C>T, p.Pro956Leu (NM_001081640.2); short protein forms P956L.
Identifiers: ClinVar variation 1388455 (VCV001388455.6), dbSNP rs780533793, ClinGen allele CA371158796.

ClinVar aggregate classification (germline): Uncertain significance (1 of 4 stars; one submission).

Conditions:
Severe combined immunodeficiency due to DNA-PKcs deficiency. Also called: IMMUNODEFICIENCY 26 WITH NEUROLOGIC ABNORMALITIES; Immunodeficiency 26 with or without neurologic abnormalities. Identifiers: Orphanet 317425, MedGen C4014833, MONDO:0014423, OMIM 615966.

gnomAD v4.1: 2 of 1,612,660 alleles (0.00012%); highest among the groups gnomAD compares: South Asian, 0.0011%; no homozygotes.

Submission:

Labcorp Genetics (formerly Invitae), Labcorp
Classification: Uncertain significance for Severe combined immunodeficiency due to DNA-PKcs deficiency. Last evaluated: 2021-11-01. Review status: criteria provided, single submitter. Criteria: Invitae Variant Classification Sherloc (09022015). Collection method: clinical testing. Allele origin: germline.
Comment: In summary, the available evidence is currently insufficient to determine the role of this variant in disease. Therefore, it has been classified as a Variant of Uncertain Significance. Experimental studies and prediction algorithms are not available or were not evaluated, and the functional significance of this variant is currently unknown. This variant has not been reported in the literature in individuals affected with PRKDC-related conditions. This variant is present in population databases (no rsID available, gnomAD 0.0009%). This sequence change replaces proline, which is neutral and non-polar, with leucine, which is neutral and non-polar, at codon 956 of the PRKDC protein (p.Pro956Leu).